The following is an entry in ClinVar:

NM_001080453.3(INTS1):c.1462A>G (p.Lys488Glu)

Gene: INTS1 (integrator complex subunit 1; minus strand). Cytogenetic location: 7p22.3.
Variant type: single nucleotide variant.
Coding change: c.1462A>G on transcript NM_001080453.3 (MANE Select); coding-DNA position 1462, A replaced by G.
Protein change: p.Lys488Glu; replaces lysine 488 with glutamic acid.
Molecular consequence: missense variant.
Genome position (GRCh38, 1-based): chr7:1,497,278, T>C on the plus strand (A>G on the coding strand, the complement: INTS1 is on the minus strand). VCF-style: chr7-1497278-T-C. GRCh37 (hg19) VCF-style: chr7-1536914-T-C.
Other names: short protein forms K488E.
Identifiers: ClinVar variation 4622152 (VCV004622152.3).

ClinVar aggregate classification (germline): Uncertain significance. Review status: criteria provided, multiple submitters, no conflicts (2 of 4 stars). 2 submissions from 2 submitters: Uncertain significance (2). Last evaluated 2026-05-01.

Conditions:
Inborn genetic diseases. Identifiers: MedGen C0950123, MeSH D030342.

Submissions (2):

CeGaT Center for Human Genetics Tuebingen
Classification: Uncertain significance. Last evaluated: 2026-05-01. Review status: criteria provided, single submitter. Criteria: CeGaT Center For Human Genetics Tuebingen Variant Classification Criteria Version 2. Collection method: clinical testing. Allele origin: germline. Affected: yes. Observed: 1 variant allele.
Comment: INTS1: PM2

Ambry Genetics
Classification: Uncertain significance for Inborn genetic diseases. Last evaluated: 2025-11-13. Review status: criteria provided, single submitter. Criteria: Ambry Variant Classification Scheme 2023. Collection method: clinical testing. Allele origin: germline.